The following is an entry in ClinVar:

ClinVar aggregate classification (germline): Benign. Review status: criteria provided, multiple submitters, no conflicts (2 of 4 stars). 4 submissions from 4 submitters: Benign (4). Last evaluated 2026-02-04.

Conditions:
Junctional epidermolysis bullosa with pyloric atresia. Also called: CARMI SYNDROME; EB-PA-ACC; ITGB4-Related Epidermolysis Bullosa with Pyloric Atresia; APLASIA CUTIS CONGENITA WITH GASTROINTESTINAL ATRESIA; Junctional Epidermolysis Bullosa- Pyloric Atresia Syndrome; Epidermolysis bullosa, junctional, with pyloric atresia and aplasia cutis congenita. Identifiers: Orphanet 79403, MedGen C5676875, MONDO:0009183, OMIM 226730.

Allele frequency attached by ClinVar (database versions not stated): ESP Exome Variant Server 0.04098; TOPMed 0.05743; 1000 Genomes Project 30x 0.08011; 1000 Genomes Project 0.08706.
gnomAD v4.1: 97,346 of 1,614,006 alleles (6%); highest among the groups gnomAD compares: East Asian, 24%; 4,048 homozygotes.

Submissions (11):

Labcorp Genetics (formerly Invitae), Labcorp
Classification: Benign. Last evaluated: 2026-02-04. Review status: criteria provided, single submitter. Criteria: Invitae Variant Classification Sherloc (09022015). Collection method: clinical testing. Allele origin: germline.

GeneDx
Classification: Benign. Last evaluated: 2021-05-04. Review status: criteria provided, single submitter. Criteria: GeneDx Variant Classification Process June 2021. Collection method: clinical testing. Allele origin: germline. Affected: yes.

Illumina Laboratory Services, Illumina
Classification: Benign for Junctional epidermolysis bullosa with pyloric atresia. Last evaluated: 2018-01-12. Review status: criteria provided, single submitter. Criteria: ICSL Variant Classification Criteria 13 December 2019. Collection method: clinical testing. Allele origin: germline.
Comment: This variant was observed in the ICSL laboratory as part of a predisposition screen in an ostensibly healthy population. It had not been previously curated by ICSL or reported in the Human Gene Mutation Database (HGMD: prior to June 1st, 2018), and was therefore a candidate for classification through an automated scoring system. Utilizing variant allele frequency, disease prevalence and penetrance estimates, and inheritance mode, an automated score was calculated to assess if this variant is too frequent to cause the disease. Based on the score and internal cut-off values, a variant classified as benign is not then subjected to further curation. The score for this variant resulted in a classification of benign for this disease.

Breakthrough Genomics
Classification: Benign. Review status: criteria provided, single submitter. Criteria: ACMG Guidelines, 2015. Collection method: not provided. Allele origin: germline. Inheritance: Autosomal recessive inheritance. Affected: yes.

Dr. Peter K. Rogan Lab, Western University
No classification provided (evidence only). Condition: Acute myeloid leukemia. Review status: no classification provided. Collection method: in vitro. Allele origin: not applicable. Functional consequence: retained intron. Not counted in ClinVar's aggregate classification.

Dr. Peter K. Rogan Lab, Western University
No classification provided (evidence only). Condition: Acute myeloid leukemia. Review status: no classification provided. Collection method: in vitro. Allele origin: not applicable. Functional consequence: retained intron. Not counted in ClinVar's aggregate classification.

Dr. Peter K. Rogan Lab, Western University
No classification provided (evidence only). Condition: Nonpapillary renal cell carcinoma. Review status: no classification provided. Collection method: in vitro. Allele origin: not applicable. Functional consequence: retained intron. Not counted in ClinVar's aggregate classification.

Dr. Peter K. Rogan Lab, Western University
No classification provided (evidence only). Condition: Nonpapillary renal cell carcinoma. Review status: no classification provided. Collection method: in vitro. Allele origin: not applicable. Functional consequence: retained intron. Not counted in ClinVar's aggregate classification.

Dr. Peter K. Rogan Lab, Western University
No classification provided (evidence only). Condition: Nonpapillary renal cell carcinoma. Review status: no classification provided. Collection method: in vitro. Allele origin: not applicable. Functional consequence: retained intron. Not counted in ClinVar's aggregate classification.

Dr. Peter K. Rogan Lab, Western University
No classification provided (evidence only). Condition: Nonpapillary renal cell carcinoma. Review status: no classification provided. Collection method: in vitro. Allele origin: not applicable. Functional consequence: retained intron. Not counted in ClinVar's aggregate classification.

Dr. Peter K. Rogan Lab, Western University
No classification provided (evidence only). Condition: Thymoma. Review status: no classification provided. Collection method: in vitro. Allele origin: not applicable. Functional consequence: retained intron. Not counted in ClinVar's aggregate classification.

NM_000210.4(ITGA6):c.2136A>T (p.Ala712=)

Genes: ITGA6 (integrin subunit alpha 6; plus strand), PDK1-AS1 (PDK1 and ITGA6 antisense RNA 1; minus strand). Cytogenetic location: 2q31.1.
Variant type: single nucleotide variant.
Coding change: c.2136A>T on transcript NM_000210.4 (MANE Select); coding-DNA position 2136, A replaced by T.
Protein change: p.Ala712=; no amino-acid change (alanine 712 retained).
Molecular consequence: synonymous variant.
Genome position (GRCh38, 1-based): chr2:172,487,429, A>T. VCF-style: chr2-172487429-A-T. GRCh37 (hg19) VCF-style: chr2-173352157-A-T.
Other names: c.2136A>T, p.Ala712= (NM_001079818.3, NM_001365529.2, NM_001365530.2); c.1779A>T, p.Ala593= (NM_001316306.2).
Identifiers: ClinVar variation 332371 (VCV000332371.15), dbSNP rs2293648, ClinGen allele CA1968300.